The following is an entry in ClinVar:

ClinVar aggregate classification (germline): Uncertain significance. Review status: criteria provided, multiple submitters, no conflicts (2 of 4 stars). 2 submissions from 2 submitters: Uncertain significance (2). Last evaluated 2025-05-07.

Conditions:
Familial sleep-related hypermotor epilepsy. Also called: Autosomal Dominant Sleep-Related Hypermotor (Hyperkinetic) Epilepsy. Identifiers: Orphanet 98784, MedGen C3696898, MONDO:0000030.

Allele frequency attached by ClinVar (database versions not stated): gnomAD exomes 0.00002; gnomAD 0.00003; ExAC 0.00005; 1000 Genomes Project 0.00020.
gnomAD v4.1: 33 of 1,458,116 alleles (0.0023%); highest among the groups gnomAD compares: African/African-American, 0.015%; no homozygotes.

Submissions (2):

Ambry Genetics
Classification: Uncertain significance. Last evaluated: 2025-05-07. Review status: criteria provided, single submitter. Criteria: Ambry Variant Classification Scheme 2023. Collection method: clinical testing. Allele origin: germline.

Labcorp Genetics (formerly Invitae), Labcorp
Classification: Uncertain significance for Familial sleep-related hypermotor epilepsy. Last evaluated: 2023-12-01. Review status: criteria provided, single submitter. Criteria: Invitae Variant Classification Sherloc (09022015). Collection method: clinical testing. Allele origin: germline.
Comment: This sequence change replaces proline, which is neutral and non-polar, with leucine, which is neutral and non-polar, at codon 59 of the PRIMA1 protein (p.Pro59Leu). The frequency data for this variant in the population databases is considered unreliable, as metrics indicate poor data quality at this position in the gnomAD database. This variant has not been reported in the literature in individuals affected with PRIMA1-related conditions. ClinVar contains an entry for this variant (Variation ID: 860570). Algorithms developed to predict the effect of missense changes on protein structure and function output the following: SIFT: "Not Available"; PolyPhen-2: "Benign"; Align-GVGD: "Not Available". The leucine amino acid residue is found in multiple mammalian species, which suggests that this missense change does not adversely affect protein function. In summary, the available evidence is currently insufficient to determine the role of this variant in disease. Therefore, it has been classified as a Variant of Uncertain Significance.

NM_178013.4(PRIMA1):c.176C>T (p.Pro59Leu)

Gene: PRIMA1 (proline rich membrane anchor 1; minus strand). Cytogenetic location: 14q32.12.
Variant type: single nucleotide variant.
Coding change: c.176C>T on transcript NM_178013.4 (MANE Select); coding-DNA position 176, C replaced by T.
Protein change: p.Pro59Leu; replaces proline 59 with leucine.
Molecular consequence: missense variant.
Genome position (GRCh38, 1-based): chr14:93,779,229, G>A on the plus strand (C>T on the coding strand, the complement: PRIMA1 is on the minus strand). VCF-style: chr14-93779229-G-A. GRCh37 (hg19) VCF-style: chr14-94245575-G-A.
Other names: short protein forms P59L.
Identifiers: ClinVar variation 860570 (VCV000860570.9), dbSNP rs550883370, ClinGen allele CA7323091.